The following is an entry in ClinVar:

NM_001276270.2(MBD4):c.455A>C (p.Lys152Thr)

Gene: MBD4 (methyl-CpG binding domain 4, DNA glycosylase; minus strand). Cytogenetic location: 3q21.3.
Variant type: single nucleotide variant.
Coding change: c.455A>C on transcript NM_001276270.2 (MANE Select); coding-DNA position 455, A replaced by C.
Protein change: p.Lys152Thr; replaces lysine 152 with threonine.
Molecular consequence: missense variant. On other transcripts: intron variant (1).
Genome position (GRCh38, 1-based): chr3:129,437,189, T>G on the plus strand (A>C on the coding strand, the complement: MBD4 is on the minus strand). VCF-style: chr3-129437189-T-G. GRCh37 (hg19) VCF-style: chr3-129156032-T-G.
Other names: c.455A>C, p.Lys152Thr (NM_001276271.2, NM_001276272.2, NM_003925.3); c.247+619A>C (NM_001276273.2); short protein forms K152T.
Identifiers: ClinVar variation 4052241 (VCV004052241.2).

ClinVar aggregate classification (germline): Uncertain significance. Review status: criteria provided, multiple submitters, no conflicts (2 of 4 stars). 2 submissions from 2 submitters: Uncertain significance (2). Last evaluated 2025-06-09.

Conditions:
Inborn genetic diseases. Identifiers: MedGen C0950123, MeSH D030342.

Submissions (2):

Labcorp Genetics (formerly Invitae), Labcorp
Classification: Uncertain significance. Last evaluated: 2025-06-09. Review status: criteria provided, single submitter. Criteria: Invitae Variant Classification Sherloc (09022015). Collection method: clinical testing. Allele origin: germline.
Comment: This sequence change replaces lysine, which is basic and polar, with threonine, which is neutral and polar, at codon 152 of the MBD4 protein (p.Lys152Thr). This variant is not present in population databases (gnomAD no frequency). This variant has not been reported in the literature in individuals affected with MBD4-related conditions. An algorithm developed to predict the effect of missense changes on protein structure and function (PolyPhen-2) suggests that this variant is likely to be tolerated. In summary, the available evidence is currently insufficient to determine the role of this variant in disease. Therefore, it has been classified as a Variant of Uncertain Significance.

Ambry Genetics
Classification: Uncertain significance for Inborn genetic diseases. Last evaluated: 2025-05-26. Review status: criteria provided, single submitter. Criteria: Ambry Variant Classification Scheme 2023. Collection method: clinical testing. Allele origin: germline.
Comment: The p.K152T variant (also known as c.455A>C), located in coding exon 3 of the MBD4 gene, results from an A to C substitution at nucleotide position 455. The lysine at codon 152 is replaced by threonine, an amino acid with similar properties. This amino acid position is conserved. In addition, the in silico prediction for this alteration is inconclusive. Based on the available evidence, the clinical significance of this variant remains unclear.